The following is an entry in ClinVar:

NM_000135.4(FANCA):c.3824C>G (p.Ser1275Ter)

Genes: FANCA (FA complementation group A; minus strand), ZNF276 (zinc finger protein 276; plus strand). Cytogenetic location: 16q24.3.
Variant type: single nucleotide variant.
Coding change: c.3824C>G on transcript NM_000135.4 (MANE Select); coding-DNA position 3824, C replaced by G.
Protein change: p.Ser1275Ter; replaces serine 1275 with a stop codon.
Molecular consequence: nonsense. On other transcripts: 3 prime UTR variant (2), non-coding transcript variant (4).
Genome position (GRCh38, 1-based): chr16:89,740,808, G>C on the plus strand (C>G on the coding strand, the complement: FANCA is on the minus strand). VCF-style: chr16-89740808-G-C. GRCh37 (hg19) VCF-style: chr16-89807216-G-C.
Other names: c.3824C>G, p.Ser1275Ter (NM_001286167.3); c.*2562G>C (NM_001113525.2, NM_152287.4); short protein forms S1275*.
Identifiers: ClinVar variation 2828417 (VCV002828417.3), dbSNP rs2544094857, ClinGen allele CA397485135.

ClinVar aggregate classification (germline): Pathogenic (1 of 4 stars; one submission).

Conditions:
Fanconi anemia (FA). Also called: Fanconi's anemia. Identifiers: Orphanet 84, MedGen C0015625, MeSH D005199, MONDO:0019391.

Submission:

Labcorp Genetics (formerly Invitae), Labcorp
Classification: Pathogenic for Fanconi anemia. Last evaluated: 2024-10-27. Review status: criteria provided, single submitter. Criteria: Invitae Variant Classification Sherloc (09022015). Collection method: clinical testing. Allele origin: germline.
Comment: This sequence change creates a premature translational stop signal (p.Ser1275*) in the FANCA gene. It is expected to result in an absent or disrupted protein product. Loss-of-function variants in FANCA are known to be pathogenic (PMID: 19367192). This variant is not present in population databases (gnomAD no frequency). This variant has not been reported in the literature in individuals affected with FANCA-related conditions. For these reasons, this variant has been classified as Pathogenic.

Literature cited by the submitters: PubMed 19367192.